The following is an entry in ClinVar:

NM_007098.4(CLTCL1):c.4572C>T (p.Ser1524=)

Gene: CLTCL1 (clathrin heavy chain like 1; minus strand). Cytogenetic location: 22q11.21.
Variant type: single nucleotide variant.
Coding change: c.4572C>T on transcript NM_007098.4 (MANE Select); coding-DNA position 4572, C replaced by T.
Protein change: p.Ser1524=; no amino-acid change (serine 1524 retained).
Molecular consequence: synonymous variant. On other transcripts: intron variant (1).
Genome position (GRCh38, 1-based): chr22:19,187,591, G>A on the plus strand (C>T on the coding strand, the complement: CLTCL1 is on the minus strand). VCF-style: chr22-19187591-G-A. GRCh37 (hg19) VCF-style: chr22-19175103-G-A.
Other names: p.Ser1524=; c.4434+390C>T (NM_001835.4).
Identifiers: ClinVar variation 4684449 (VCV004684449.1).

ClinVar aggregate classification (germline): Likely benign (1 of 4 stars; one submission).

gnomAD v4.1: 36 of 1,612,888 alleles (0.0022%); highest among the groups gnomAD compares: Admixed American, 0.005%; 1 homozygote.

Submission:

Mayo Clinic Laboratories, Mayo Clinic
Classification: Likely benign. Last evaluated: 2025-11-26. Review status: criteria provided, single submitter. Criteria: ACMG Guidelines, 2015. Collection method: clinical testing. Allele origin: germline. Observed: 1 variant allele.
Comment: BP4, BP7